The following is an entry in ClinVar:

NM_000536.4(RAG2):c.764G>T (p.Gly255Val)

Gene: RAG2 (recombination activating 2; minus strand). Cytogenetic location: 11p12.
Variant type: single nucleotide variant.
Coding change: c.764G>T on transcript NM_000536.4 (MANE Select); coding-DNA position 764, G replaced by T.
Protein change: p.Gly255Val; replaces glycine 255 with valine.
Molecular consequence: missense variant.
Genome position (GRCh38, 1-based): chr11:36,593,405, C>A on the plus strand (G>T on the coding strand, the complement: RAG2 is on the minus strand). VCF-style: chr11-36593405-C-A. GRCh37 (hg19) VCF-style: chr11-36614955-C-A.
Other names: c.764G>T, p.Gly255Val (NM_001243785.2, NM_001243786.2); short protein forms G255V.
Identifiers: ClinVar variation 1035768 (VCV001035768.10), dbSNP rs780531526, ClinGen allele CA380142160.

ClinVar aggregate classification (germline): Uncertain significance (1 of 4 stars; one submission).

Conditions:
Combined immunodeficiency with skin granulomas. Identifiers: Orphanet 157949, MedGen C2673536, MONDO:0009306, OMIM 233650.
Severe combined immunodeficiency, autosomal recessive, T cell-negative, B cell-negative, NK cell-positive. Also called: SCID, T CELL-NEGATIVE, B CELL-NEGATIVE, NK CELL-POSITIVE; SCID, AR, T-cell negative, B-cell negative, NK cell-positive; Severe combined immunodeficiency due to complete RAG1/2 deficiency. Identifiers: Orphanet 331206, MedGen C1832322, MONDO:0011086, OMIM 601457.

Submission:

Labcorp Genetics (formerly Invitae), Labcorp
Classification: Uncertain significance for Combined immunodeficiency with skin granulomas; Severe combined immunodeficiency, autosomal recessive, T cell-negative, B cell-negative, NK cell-positive. Last evaluated: 2022-10-24. Review status: criteria provided, single submitter. Criteria: Invitae Variant Classification Sherloc (09022015). Collection method: clinical testing. Allele origin: germline.
Comment: This sequence change replaces glycine, which is neutral and non-polar, with valine, which is neutral and non-polar, at codon 255 of the RAG2 protein (p.Gly255Val). This variant is not present in population databases (gnomAD no frequency). This variant has not been reported in the literature in individuals affected with RAG2-related conditions. ClinVar contains an entry for this variant (Variation ID: 1035768). Advanced modeling of protein sequence and biophysical properties (such as structural, functional, and spatial information, amino acid conservation, physicochemical variation, residue mobility, and thermodynamic stability) performed at Invitae indicates that this missense variant is expected to disrupt RAG2 protein function. In summary, the available evidence is currently insufficient to determine the role of this variant in disease. Therefore, it has been classified as a Variant of Uncertain Significance.